The following is an entry in ClinVar:

NM_024577.4(SH3TC2):c.1531C>G (p.Leu511Val)

Gene: SH3TC2 (SH3 domain and tetratricopeptide repeats 2; minus strand). Cytogenetic location: 5q32.
Variant type: single nucleotide variant.
Coding change: c.1531C>G on transcript NM_024577.4 (MANE Select); coding-DNA position 1531, C replaced by G.
Protein change: p.Leu511Val; replaces leucine 511 with valine.
Molecular consequence: missense variant.
Genome position (GRCh38, 1-based): chr5:149,028,201, G>C on the plus strand (C>G on the coding strand, the complement: SH3TC2 is on the minus strand). VCF-style: chr5-149028201-G-C. GRCh37 (hg19) VCF-style: chr5-148407764-G-C.
Other names: short protein forms L511V.
Identifiers: ClinVar variation 1432606 (VCV001432606.6), dbSNP rs1437440770, ClinGen allele CA361668317.

ClinVar aggregate classification (germline): Uncertain significance (1 of 4 stars; one submission).

Conditions:
Charcot-Marie-Tooth disease type 4. Also called: Charcot-Marie-Tooth disease, type IV; Charcot-Marie-Tooth, Type 4. Identifiers: Orphanet 64749, MedGen C4082197, MONDO:0018995.

Allele frequency attached by ClinVar (database versions not stated): TOPMed below 0.00001.
gnomAD v4.1: 2 of 1,613,926 alleles (0.00012%); highest among the groups gnomAD compares: Admixed American, 0.0017%; no homozygotes.

Submission:

Labcorp Genetics (formerly Invitae), Labcorp
Classification: Uncertain significance for Charcot-Marie-Tooth disease type 4. Last evaluated: 2021-08-05. Review status: criteria provided, single submitter. Criteria: Invitae Variant Classification Sherloc (09022015). Collection method: clinical testing. Allele origin: germline.
Comment: Advanced modeling of protein sequence and biophysical properties (such as structural, functional, and spatial information, amino acid conservation, physicochemical variation, residue mobility, and thermodynamic stability) performed at Invitae indicates that this missense variant is not expected to disrupt SH3TC2 protein function. In summary, the available evidence is currently insufficient to determine the role of this variant in disease. Therefore, it has been classified as a Variant of Uncertain Significance. This variant has not been reported in the literature in individuals affected with SH3TC2-related conditions. This sequence change replaces leucine with valine at codon 511 of the SH3TC2 protein (p.Leu511Val). The leucine residue is highly conserved and there is a small physicochemical difference between leucine and valine. This variant is not present in population databases (ExAC no frequency).